The following is an entry in ClinVar:

ClinVar aggregate classification (germline): Conflicting classifications of pathogenicity. Review status: criteria provided, conflicting classifications (1 of 4 stars). 2 submissions from 2 submitters: Uncertain significance (1); Likely benign (1). Last evaluated 2025-10-07.

Conditions:
Inborn genetic diseases. Identifiers: MedGen C0950123, MeSH D030342.

Allele frequency attached by ClinVar (database versions not stated): ESP Exome Variant Server 0.00008; 1000 Genomes Project 30x 0.00016; 1000 Genomes Project 0.00020; gnomAD 0.00025 and 0.00026; TOPMed 0.00028; gnomAD exomes 0.00029; ExAC 0.00030.
gnomAD v4.1: 726 of 1,614,050 alleles (0.045%); highest among the groups gnomAD compares: Non-Finnish European, 0.058%; no homozygotes.

Submissions (2):

Labcorp Genetics (formerly Invitae), Labcorp
Classification: Uncertain significance. Last evaluated: 2025-10-07. Review status: criteria provided, single submitter. Criteria: Invitae Variant Classification Sherloc (09022015). Collection method: clinical testing. Allele origin: germline.
Comment: This sequence change replaces alanine, which is neutral and non-polar, with valine, which is neutral and non-polar, at codon 349 of the RBPJ protein (p.Ala349Val). This variant is present in population databases (rs201526714, gnomAD 0.06%), and has an allele count higher than expected for a pathogenic variant. This variant has not been reported in the literature in individuals affected with RBPJ-related conditions. ClinVar contains an entry for this variant (Variation ID: 1402003). Invitae Evidence Modeling of protein sequence and biophysical properties (such as structural, functional, and spatial information, amino acid conservation, physicochemical variation, residue mobility, and thermodynamic stability) indicates that this missense variant is not expected to disrupt RBPJ protein function with a negative predictive value of 80%. In summary, the available evidence is currently insufficient to determine the role of this variant in disease. Therefore, it has been classified as a Variant of Uncertain Significance.

Ambry Genetics
Classification: Likely benign for Inborn genetic diseases. Last evaluated: 2022-11-10. Review status: criteria provided, single submitter. Criteria: Ambry Variant Classification Scheme 2023. Collection method: clinical testing. Allele origin: germline.

NM_015874.6(RBPJ):c.1007C>T (p.Ala336Val)

Gene: RBPJ (recombination signal binding protein for immunoglobulin kappa J region; plus strand). Cytogenetic location: 4p15.2.
Variant type: single nucleotide variant.
Coding change: c.1007C>T on transcript NM_015874.6 (MANE Select); coding-DNA position 1007, C replaced by T.
Protein change: p.Ala336Val; replaces alanine 336 with valine.
Molecular consequence: missense variant. On other transcripts: intron variant (2).
Genome position (GRCh38, 1-based): chr4:26,430,016, C>T. VCF-style: chr4-26430016-C-T. GRCh37 (hg19) VCF-style: chr4-26431638-C-T.
Other names: c.941C>T, p.Ala314Val (NM_001363577.2, NM_203283.5); c.1046C>T, p.Ala349Val (NM_001374400.1, NM_005349.4); c.1004C>T, p.Ala335Val (NM_001374401.1, NM_001374402.1, NM_001374403.1 and 3 more transcripts); c.928-403C>T (NM_001379408.1); c.883-403C>T (NM_001379409.1); c.1046C>T (NM_005349.2); short protein forms A335V, A336V, A314V, A349V.
Identifiers: ClinVar variation 1402003 (VCV001402003.7), dbSNP rs201526714, ClinGen allele CA2881464.